The following is an entry in ClinVar:

NM_001267550.2(TTN):c.89121_89122del (p.Arg29707fs)

Genes: TTN (titin; minus strand), TTN-AS1 (TTN antisense RNA 1; plus strand). Cytogenetic location: 2q31.2.
Variant type: Microsatellite.
Coding change: c.89121_89122del on transcript NM_001267550.2 (MANE Select); coding-DNA positions 89121 to 89122, 2 bases deleted (AG; older notation c.89121_89122delAG).
Protein change: p.Arg29707fs; shifts the reading frame from arginine 29707.
Molecular consequence: frameshift variant.
Genome position (GRCh38, 1-based): chr2:178,553,989-178,553,990, CT deleted on the plus strand (AG on the coding strand, the reverse complement: TTN is on the minus strand); deleting any 2 consecutive bases within chr2:178,553,989-178,553,992 gives the same sequence; the c. name uses the placement nearest the transcript's 3' end. VCF-style (leftmost placement, unchanged base first): chr2-178553988-ACT-A. GRCh37 (hg19) VCF-style: chr2-179418715-ACT-A.
Other names: c.81417_81418del, p.Arg27139fs (NM_133378.4); c.84198_84199del, p.Arg28066fs (NM_001256850.1); c.61926_61927del, p.Arg20642fs (NM_003319.4); c.62301_62302del, p.Arg20767fs (NM_133432.3); c.62502_62503del, p.Arg20834fs (NM_133437.4); short protein forms R20642fs, R20767fs, R20834fs, R27139fs, R28066fs, R29707fs.
Identifiers: ClinVar variation 1325264 (VCV001325264.8), dbSNP rs2154152480, ClinGen allele CA2580614429.

ClinVar aggregate classification (germline): Likely pathogenic. Review status: criteria provided, multiple submitters, no conflicts (2 of 4 stars). 2 submissions from 2 submitters: Likely pathogenic (2). Last evaluated 2022-05-25.

Conditions:
Dilated cardiomyopathy 1G (CMD1G). Identifiers: Orphanet 154, MedGen C1858763, MONDO:0011400, OMIM 604145.
Autosomal recessive limb-girdle muscular dystrophy type 2J (LGMDR10). Also called: Limb-girdle muscular dystrophy, type 2J; MUSCULAR DYSTROPHY, LIMB-GIRDLE, AUTOSOMAL RECESSIVE 10. Identifiers: Orphanet 140922, MedGen C1837342, MONDO:0012127, OMIM 608807.

Submissions (2):

Labcorp Genetics (formerly Invitae), Labcorp
Classification: Likely pathogenic for Dilated cardiomyopathy 1G; Autosomal recessive limb-girdle muscular dystrophy type 2J. Last evaluated: 2022-05-25. Review status: criteria provided, single submitter. Criteria: Invitae Variant Classification Sherloc (09022015). Collection method: clinical testing. Allele origin: germline.
Comment: This variant is not present in population databases (gnomAD no frequency). This sequence change creates a premature translational stop signal (p.Arg29707Serfs*14) in the TTN gene. While this is not anticipated to result in nonsense mediated decay, it is expected to create a truncated TTN protein. In summary, the currently available evidence indicates that the variant is pathogenic, but additional data are needed to prove that conclusively. Therefore, this variant has been classified as Likely Pathogenic. This variant is located in the A band of TTN (PMID: 25589632). Truncating variants in this region are significantly overrepresented in patients affected with dilated cardiomyopathy (PMID: 25589632). Truncating variants in this region have also been reported in individuals affected with autosomal recessive centronuclear myopathy (PMID: 23975875). ClinVar contains an entry for this variant (Variation ID: 1325264). This variant has not been reported in the literature in individuals affected with TTN-related conditions.

Revvity Omics, Revvity
Classification: Likely pathogenic. Last evaluated: 2019-08-28. Review status: criteria provided, single submitter. Criteria: ACMG Guidelines, 2015. Collection method: clinical testing. Allele origin: germline.

Literature cited by the submitters: PubMed 25589632 (cited by Labcorp Genetics (formerly Invitae), Labcorp); PubMed 23975875 (cited by Labcorp Genetics (formerly Invitae), Labcorp).